The following is an entry in ClinVar:

NM_021939.4(FKBP10):c.828C>G (p.Pro276=)

Gene: FKBP10 (FKBP prolyl isomerase 10; plus strand). Cytogenetic location: 17q21.2.
Variant type: single nucleotide variant.
Coding change: c.828C>G on transcript NM_021939.4 (MANE Select); coding-DNA position 828, C replaced by G.
Protein change: p.Pro276=; no amino-acid change (proline 276 retained).
Molecular consequence: synonymous variant.
Genome position (GRCh38, 1-based): chr17:41,819,310, C>G. VCF-style: chr17-41819310-C-G. GRCh37 (hg19) VCF-style: chr17-39975562-C-G.
Identifiers: ClinVar variation 514241 (VCV000514241.1), dbSNP rs782406817, ClinGen allele CA500024056.

ClinVar aggregate classification (germline): Likely benign (1 of 4 stars; one submission).

Submission:

GeneDx
Classification: Likely benign. Last evaluated: 2017-12-19. Review status: criteria provided, single submitter. Criteria: GeneDx Variant Classification (06012015). Collection method: clinical testing. Allele origin: germline. Affected: yes.
Comment: This variant is considered likely benign or benign based on one or more of the following criteria: it is a conservative change, it occurs at a poorly conserved position in the protein, it is predicted to be benign by multiple in silico algorithms, and/or has population frequency not consistent with disease.